The following is an entry in ClinVar:

NM_152468.5(TMC8):c.838C>T (p.Arg280Cys)

Gene: TMC8 (transmembrane channel like 8; plus strand). Cytogenetic location: 17q25.3.
Variant type: single nucleotide variant.
Coding change: c.838C>T on transcript NM_152468.5 (MANE Select); coding-DNA position 838, C replaced by T.
Protein change: p.Arg280Cys; replaces arginine 280 with cysteine.
Molecular consequence: missense variant.
Genome position (GRCh38, 1-based): chr17:78,134,415, C>T. VCF-style: chr17-78134415-C-T. GRCh37 (hg19) VCF-style: chr17-76130496-C-T.
Other names: short protein forms R280C.
Identifiers: ClinVar variation 2161263 (VCV002161263.2), dbSNP rs139386301, ClinGen allele CA8796633.

ClinVar aggregate classification (germline): Uncertain significance (1 of 4 stars; one submission).

Conditions:
Epidermodysplasia verruciformis. Identifiers: Orphanet 302, MedGen C0014522, MONDO:0009176.

Allele frequency attached by ClinVar (database versions not stated): ExAC 0.00003; gnomAD 0.00004; TOPMed 0.00004; ESP Exome Variant Server 0.00008.

Submission:

Labcorp Genetics (formerly Invitae), Labcorp
Classification: Uncertain significance for Epidermodysplasia verruciformis. Last evaluated: 2024-08-23. Review status: criteria provided, single submitter. Criteria: Invitae Variant Classification Sherloc (09022015). Collection method: clinical testing. Allele origin: germline.
Comment: This sequence change replaces arginine, which is basic and polar, with cysteine, which is neutral and slightly polar, at codon 280 of the TMC8 protein (p.Arg280Cys). This variant is present in population databases (rs139386301, gnomAD 0.01%). This variant has not been reported in the literature in individuals affected with TMC8-related conditions. ClinVar contains an entry for this variant (Variation ID: 2161263). Invitae Evidence Modeling of protein sequence and biophysical properties (such as structural, functional, and spatial information, amino acid conservation, physicochemical variation, residue mobility, and thermodynamic stability) indicates that this missense variant is not expected to disrupt TMC8 protein function with a negative predictive value of 80%. In summary, the available evidence is currently insufficient to determine the role of this variant in disease. Therefore, it has been classified as a Variant of Uncertain Significance.